The following is an entry in ClinVar:

ClinVar aggregate classification (germline): Uncertain significance. Review status: criteria provided, multiple submitters, no conflicts (2 of 4 stars). 2 submissions from 2 submitters: Uncertain significance (2). Last evaluated 2025-09-03.

Conditions:
Long QT syndrome (LQTS). Identifiers: MedGen C0023976, MeSH D008133, MONDO:0002442. Disease mechanism: loss of function. Inheritance: Various modes of inheritance.
Cardiovascular phenotype. Identifiers: MedGen CN230736.

Submissions (2):

Labcorp Genetics (formerly Invitae), Labcorp
Classification: Uncertain significance for Long QT syndrome. Last evaluated: 2025-09-03. Review status: criteria provided, single submitter. Criteria: Invitae Variant Classification Sherloc (09022015). Collection method: clinical testing. Allele origin: germline.
Comment: This sequence change replaces aspartic acid, which is acidic and polar, with asparagine, which is neutral and polar, at codon 765 of the AKAP9 protein (p.Asp765Asn). This variant is not present in population databases (gnomAD no frequency). This variant has not been reported in the literature in individuals affected with AKAP9-related conditions. An algorithm developed to predict the effect of missense changes on protein structure and function outputs the following: PolyPhen-2: "Benign". The asparagine amino acid residue is found in multiple mammalian species, which suggests that this missense change does not adversely affect protein function. In summary, the available evidence is currently insufficient to determine the role of this variant in disease. Therefore, it has been classified as a Variant of Uncertain Significance.

Ambry Genetics
Classification: Uncertain significance for Cardiovascular phenotype. Last evaluated: 2025-06-28. Review status: criteria provided, single submitter. Criteria: Ambry Variant Classification Scheme 2023. Collection method: clinical testing. Allele origin: germline.
Comment: The p.D765N variant (also known as c.2293G>A), located in coding exon 8 of the AKAP9 gene, results from a G to A substitution at nucleotide position 2293. The aspartic acid at codon 765 is replaced by asparagine, an amino acid with highly similar properties. This amino acid position is conserved. In addition, this alteration is predicted to be tolerated by in silico analysis. Based on the available evidence, the clinical significance of this variant remains unclear.

NM_005751.5(AKAP9):c.2293G>A (p.Asp765Asn)

Gene: AKAP9 (A-kinase anchoring protein 9; plus strand). Cytogenetic location: 7q21.2.
Variant type: single nucleotide variant.
Coding change: c.2293G>A on transcript NM_005751.5 (MANE Select); coding-DNA position 2293, G replaced by A.
Protein change: p.Asp765Asn; replaces aspartic acid 765 with asparagine.
Molecular consequence: missense variant.
Genome position (GRCh38, 1-based): chr7:92,002,210, G>A. VCF-style: chr7-92002210-G-A. GRCh37 (hg19) VCF-style: chr7-91631524-G-A.
Other names: c.2293G>A, p.Asp765Asn (NM_147185.3); short protein forms D765N.
Identifiers: ClinVar variation 4264967 (VCV004264967.2).